The following is an entry in ClinVar:

ClinVar aggregate classification (germline): Uncertain significance (1 of 4 stars; one submission).

Allele frequency attached by ClinVar (database versions not stated): gnomAD 0.00001; TOPMed 0.00001.
gnomAD v4.1: 4 of 1,614,010 alleles (0.00025%); highest among the groups gnomAD compares: Non-Finnish European, 0.00034%; no homozygotes.

Submission:

Labcorp Genetics (formerly Invitae), Labcorp
Classification: Uncertain significance. Last evaluated: 2025-09-03. Review status: criteria provided, single submitter. Criteria: Invitae Variant Classification Sherloc (09022015). Collection method: clinical testing. Allele origin: germline.
Comment: This sequence change replaces alanine, which is neutral and non-polar, with threonine, which is neutral and polar, at codon 1529 of the DUOX2 protein (p.Ala1529Thr). This variant is not present in population databases (gnomAD no frequency). This variant has not been reported in the literature in individuals affected with DUOX2-related conditions. ClinVar contains an entry for this variant (Variation ID: 3022846). An algorithm developed to predict the effect of missense changes on protein structure and function (PolyPhen-2) suggests that this variant is likely to be tolerated. In summary, the available evidence is currently insufficient to determine the role of this variant in disease. Therefore, it has been classified as a Variant of Uncertain Significance.

NM_001363711.2(DUOX2):c.4585G>A (p.Ala1529Thr)

Gene: DUOX2 (dual oxidase 2; minus strand). Cytogenetic location: 15q21.1.
Variant type: single nucleotide variant.
Coding change: c.4585G>A on transcript NM_001363711.2 (MANE Select); coding-DNA position 4585, G replaced by A.
Protein change: p.Ala1529Thr; replaces alanine 1529 with threonine.
Molecular consequence: missense variant.
Genome position (GRCh38, 1-based): chr15:45,094,212, C>T on the plus strand (G>A on the coding strand, the complement: DUOX2 is on the minus strand). VCF-style: chr15-45094212-C-T. GRCh37 (hg19) VCF-style: chr15-45386410-C-T.
Other names: c.4585G>A, p.Ala1529Thr (NM_014080.5); short protein forms A1529T.
Identifiers: ClinVar variation 3022846 (VCV003022846.3), dbSNP rs1374151637, ClinGen allele CA392249200.